The following is an entry in ClinVar:

NM_206937.2(LIG4):c.2480A>G (p.Asn827Ser)

Gene: LIG4 (DNA ligase 4; minus strand). Cytogenetic location: 13q33.3.
Variant type: single nucleotide variant.
Coding change: c.2480A>G on transcript NM_206937.2 (MANE Select); coding-DNA position 2480, A replaced by G.
Protein change: p.Asn827Ser; replaces asparagine 827 with serine.
Molecular consequence: missense variant.
Genome position (GRCh38, 1-based): chr13:108,208,789, T>C on the plus strand (A>G on the coding strand, the complement: LIG4 is on the minus strand). VCF-style: chr13-108208789-T-C. GRCh37 (hg19) VCF-style: chr13-108861137-T-C.
Other names: c.2480A>G, p.Asn827Ser (NM_002312.3, NM_001098268.2, NM_001352598.2 and 6 more transcripts); c.2279A>G, p.Asn760Ser (NM_001330595.2); c.2516A>G, p.Asn839Ser (NM_001352604.2); short protein forms N827S, N839S, N760S.
Identifiers: ClinVar variation 968998 (VCV000968998.10), dbSNP rs1878212620, ClinGen allele CA388612934.

ClinVar aggregate classification (germline): Uncertain significance (1 of 4 stars; one submission).

Conditions:
DNA ligase IV deficiency. Identifiers: Orphanet 99812, MedGen C1847827, MONDO:0011686, OMIM 606593.

Submission:

Labcorp Genetics (formerly Invitae), Labcorp
Classification: Uncertain significance for DNA ligase IV deficiency. Last evaluated: 2022-07-11. Review status: criteria provided, single submitter. Criteria: Invitae Variant Classification Sherloc (09022015). Collection method: clinical testing. Allele origin: germline.
Comment: In summary, the available evidence is currently insufficient to determine the role of this variant in disease. Therefore, it has been classified as a Variant of Uncertain Significance. Algorithms developed to predict the effect of sequence changes on RNA splicing suggest that this variant may create or strengthen a splice site. Algorithms developed to predict the effect of missense changes on protein structure and function (SIFT, PolyPhen-2, Align-GVGD) all suggest that this variant is likely to be tolerated. ClinVar contains an entry for this variant (Variation ID: 968998). This variant has not been reported in the literature in individuals affected with LIG4-related conditions. This variant is not present in population databases (gnomAD no frequency). This sequence change replaces asparagine, which is neutral and polar, with serine, which is neutral and polar, at codon 827 of the LIG4 protein (p.Asn827Ser).